The following is an entry in ClinVar:

ClinVar aggregate classification (germline): Uncertain significance (1 of 4 stars; one submission).

Conditions:
Cohen syndrome (COH1). Also called: PEPPER SYNDROME; Cutis verticis gyrata, retinitis pigmentosa, and sensorineural deafness. Identifiers: Orphanet 193, MedGen C0265223, MONDO:0008999, OMIM 216550.

Submission:

Labcorp Genetics (formerly Invitae), Labcorp
Classification: Uncertain significance for Cohen syndrome. Last evaluated: 2018-03-19. Review status: criteria provided, single submitter. Criteria: Invitae Variant Classification Sherloc (09022015). Collection method: clinical testing. Allele origin: germline.
Comment: This variant is a gross duplication of the genomic region encompassing exons 2-8 of the VPS13B gene. The 5' end of this event is unknown as it extends beyond the assayed region for this gene and therefore may encompass additional genes. The 3' boundary is likely confined to intron 8 of the VPS13B gene. The exact location of this variant in the genome is unknown. Duplications of VPS13B exons 2-8 have not been reported in the literature in individuals with VPS13B-related disease. Experimental studies and prediction algorithms are not available for this variant, and the functional significance of this duplication is currently unknown. In summary, the available evidence is currently insufficient to determine the role of this variant in disease. Therefore, it has been classified as a Variant of Uncertain Significance.

NC_000008.10:g.(?_100025997)_(100133735_?)dup

Genes: VPS13B (vacuolar protein sorting 13 homolog B; plus strand), LOC130000825 (ATAC-STARR-seq lymphoblastoid active region 27683; plus strand). Cytogenetic location: 8q22.2.
Variant type: Duplication.
Identifiers: ClinVar variation 584153 (VCV000584153.1).